The following is an entry in ClinVar:

NM_000548.5(TSC2):c.2279C>G (p.Thr760Ser)

Gene: TSC2 (TSC complex subunit 2; plus strand). Cytogenetic location: 16p13.3.
Variant type: single nucleotide variant.
Coding change: c.2279C>G on transcript NM_000548.5 (MANE Select); coding-DNA position 2279, C replaced by G.
Protein change: p.Thr760Ser; replaces threonine 760 with serine.
Molecular consequence: missense variant. On other transcripts: non-coding transcript variant (5).
Genome position (GRCh38, 1-based): chr16:2,072,907, C>G. VCF-style: chr16-2072907-C-G. GRCh37 (hg19) VCF-style: chr16-2122908-C-G.
Other names: c.2132C>G, p.Thr711Ser (NM_001406676.1, NM_001406679.1, NM_001318829.2 and 1 more transcripts); c.2222C>G, p.Thr741Ser (NM_001406677.1); c.2168C>G, p.Thr723Ser (NM_001406678.1, NM_001318827.2, NM_001406670.1); c.1679C>G, p.Thr560Ser (NM_001406680.1, NM_001406682.1, NM_001406683.1 and 6 more transcripts); c.1817C>G, p.Thr606Ser (NM_001406681.1); c.2279C>G, p.Thr760Ser (NM_001077183.3, NM_001114382.3, NM_001363528.2 and 6 more transcripts); c.2312C>G, p.Thr771Ser (NM_001318832.2); c.2369C>G, p.Thr790Ser (NM_001406667.1, NM_001406668.1); and 3 more; short protein forms T226S, T560S, T711S, T741S, T723S, T756S, T760S, T312S.
Identifiers: ClinVar variation 2817264 (VCV002817264.3), dbSNP rs1060500920, ClinGen allele CA394276568.

ClinVar aggregate classification (germline): Uncertain significance (1 of 4 stars; one submission).

Conditions:
Tuberous sclerosis 2 (TSC2). Identifiers: Orphanet 805, MedGen C1860707, MONDO:0013199, OMIM 613254.

Submission:

Labcorp Genetics (formerly Invitae), Labcorp
Classification: Uncertain significance for Tuberous sclerosis 2. Last evaluated: 2022-11-29. Review status: criteria provided, single submitter. Criteria: Invitae Variant Classification Sherloc (09022015). Collection method: clinical testing. Allele origin: germline.
Comment: In summary, the available evidence is currently insufficient to determine the role of this variant in disease. Therefore, it has been classified as a Variant of Uncertain Significance. Advanced modeling of protein sequence and biophysical properties (such as structural, functional, and spatial information, amino acid conservation, physicochemical variation, residue mobility, and thermodynamic stability) performed at Invitae indicates that this missense variant is not expected to disrupt TSC2 protein function. This sequence change replaces threonine, which is neutral and polar, with serine, which is neutral and polar, at codon 760 of the TSC2 protein (p.Thr760Ser). This variant is not present in population databases (gnomAD no frequency). This variant has not been reported in the literature in individuals affected with TSC2-related conditions.